The following is an entry in ClinVar:

NC_000007.14:g.156796063T>C

Genes: LMBR1 (limb development membrane protein 1; minus strand), SHH (sonic hedgehog signaling molecule; minus strand). Cytogenetic location: 7q36.3.
Variant type: single nucleotide variant.
Molecular consequence: intron variant (on NM_022458.4).
Genome position: GRCh38 VCF-style: chr7-156796063-T-C. GRCh37 (hg19) VCF-style: chr7-156588757-T-C.
Other names: c.360+326A>G (NM_001363412.2); c.144+326A>G (NM_001350954.2); c.423+326A>G (NM_001363410.2, NM_022458.4, NM_001363409.2 and 1 more transcripts); c.-112+326A>G (NM_001350958.2, NM_001350956.2, NM_001350955.2 and 1 more transcripts); c.54+326A>G (NM_001350957.2, NM_001363411.2).
Identifiers: ClinVar variation 1384083 (VCV001384083.4), dbSNP rs572645079, ClinGen allele CA169823966.

ClinVar aggregate classification (germline): Uncertain significance (1 of 4 stars; one submission).

Conditions:
Holoprosencephaly 3 (HPE3). Identifiers: Orphanet 2162, MedGen C1840529, MONDO:0007733, OMIM 142945.

gnomAD v4.1: 2 of 152,266 alleles (0.0013%); highest among the groups gnomAD compares: African/African-American, 0.0048%; no homozygotes.

Submission:

Labcorp Genetics (formerly Invitae), Labcorp
Classification: Uncertain significance for Holoprosencephaly 3. Last evaluated: 2022-09-07. Review status: criteria provided, single submitter. Criteria: Invitae Variant Classification Sherloc (09022015). Collection method: clinical testing. Allele origin: germline.
Comment: In summary, the available evidence is currently insufficient to determine the role of this variant in disease. Therefore, it has been classified as a Variant of Uncertain Significance. Experimental studies and prediction algorithms are not available or were not evaluated, and the effect of this variant on mRNA splicing is currently unknown. This variant has not been reported in the literature in individuals affected with SHH-related conditions. This variant is not present in population databases (gnomAD no frequency). This variant occurs in a non-coding region of the SHH gene. It does not change the encoded amino acid sequence of the SHH protein.